The following is an entry in ClinVar:

ClinVar aggregate classification (germline): Uncertain significance (1 of 4 stars; one submission).

Conditions:
Cardiovascular phenotype. Identifiers: MedGen CN230736.

Submission:

Ambry Genetics
Classification: Uncertain significance for Cardiovascular phenotype. Last evaluated: 2025-08-09. Review status: criteria provided, single submitter. Criteria: Ambry Variant Classification Scheme 2023. Collection method: clinical testing. Allele origin: germline.
Comment: The p.S14A variant (also known as c.40T>G), located in coding exon 1 of the PRDM5 gene, results from a T to G substitution at nucleotide position 40. The serine at codon 14 is replaced by alanine, an amino acid with similar properties. This amino acid position is conserved. In addition, this alteration is predicted to be tolerated by in silico analysis. Based on the available evidence, the clinical significance of this variant remains unclear.

NM_018699.4(PRDM5):c.40T>G (p.Ser14Ala)

Gene: PRDM5 (PR/SET domain 5; minus strand). Cytogenetic location: 4q27.
Variant type: single nucleotide variant.
Coding change: c.40T>G on transcript NM_018699.4 (MANE Select); coding-DNA position 40, T replaced by G.
Protein change: p.Ser14Ala; replaces serine 14 with alanine.
Molecular consequence: missense variant.
Genome position (GRCh38, 1-based): chr4:120,922,569, A>C on the plus strand (T>G on the coding strand, the complement: PRDM5 is on the minus strand). VCF-style: chr4-120922569-A-C. GRCh37 (hg19) VCF-style: chr4-121843724-A-C.
Other names: c.40T>G, p.Ser14Ala (NM_001300823.2, NM_001300824.2, NM_001379104.1 and 1 more transcripts); short protein forms S14A.
Identifiers: ClinVar variation 4143977 (VCV004143977.1).
Genomic context (GRCh38, chr4:120,922,569, plus strand): 5'-CACCCACCTTTCGCACTCTGCGGGCCGTGTAGAGCCCCATGCCGTCCTGAACCCGGGAGG[A>C]CTTCAGGGAGAACCTGTCCGGCACGTACATGCCCAGCATTTTCCCGGGCGCGGCGGCCGC-3'
Protein context (NP_061169.2, residues 4-24): MYVPDRFSLK[Ser14Ala]SRVQDGMGLY